The following is an entry in ClinVar:

ClinVar aggregate classification (germline): Conflicting classifications of pathogenicity. Review status: criteria provided, conflicting classifications (1 of 4 stars). 5 submissions from 5 submitters: Uncertain significance (2); Likely benign (3). Last evaluated 2026-01-04.

Conditions:
Inborn genetic diseases. Identifiers: MedGen C0950123, MeSH D030342.
Joubert syndrome. Also called: Familial aplasia of the vermis; JOUBERT-BOLTSHAUSER SYNDROME. Identifiers: Orphanet 475, MedGen C5979921, MONDO:0018772.
AHI1-related disorder. Also called: AHI1-related condition.

Allele frequency attached by ClinVar (database versions not stated): gnomAD exomes 0.00002 and 0.00007; ExAC 0.00010; gnomAD 0.00022 and 0.00026; TOPMed 0.00026; ESP Exome Variant Server 0.00034.
gnomAD v4.1: 59 of 1,613,266 alleles (0.0037%); highest among the groups gnomAD compares: African/African-American, 0.067%; no homozygotes.

Submissions (5):

Labcorp Genetics (formerly Invitae), Labcorp
Classification: Likely benign for Joubert syndrome. Last evaluated: 2026-01-04. Review status: criteria provided, single submitter. Criteria: Invitae Variant Classification Sherloc (09022015). Collection method: clinical testing. Allele origin: germline.

PreventionGenetics, part of Exact Sciences
Classification: Uncertain significance for AHI1-related condition. Last evaluated: 2025-06-11. Review status: criteria provided, single submitter. Criteria: ACMG Guidelines, 2015. Collection method: clinical testing. Allele origin: germline.
Comment: The AHI1 c.199A>G variant is predicted to result in the amino acid substitution p.Ile67Val. To our knowledge, this variant has not been reported in the literature. This variant is reported in 0.074% of alleles in individuals of African descent in gnomAD, which may be too frequent to be the primary cause of disease. Although we suspect that this variant may be benign, at this time, the clinical significance of this variant is uncertain due to the absence of conclusive functional and genetic evidence.

Blueprint Genetics
Classification: Likely benign. Last evaluated: 2024-11-26. Review status: criteria provided, single submitter. Criteria: ACMG Guidelines, 2015. Collection method: clinical testing. Allele origin: germline.

Ambry Genetics
Classification: Likely benign for Inborn genetic diseases. Last evaluated: 2024-09-01. Review status: criteria provided, single submitter. Criteria: Ambry Variant Classification Scheme 2023. Collection method: clinical testing. Allele origin: germline.

GeneDx
Classification: Uncertain significance. Last evaluated: 2024-08-19. Review status: criteria provided, single submitter. Criteria: GeneDx Variant Classification Process June 2021. Collection method: clinical testing. Allele origin: germline. Affected: yes.
Comment: In silico analysis indicates that this missense variant does not alter protein structure/function; Has not been previously published as pathogenic or benign to our knowledge

NM_001134831.2(AHI1):c.199A>G (p.Ile67Val)

Gene: AHI1 (Abelson helper integration site 1; minus strand). Cytogenetic location: 6q23.3.
Variant type: single nucleotide variant.
Coding change: c.199A>G on transcript NM_001134831.2 (MANE Select); coding-DNA position 199, A replaced by G.
Protein change: p.Ile67Val; replaces isoleucine 67 with valine.
Molecular consequence: missense variant.
Genome position (GRCh38, 1-based): chr6:135,466,364, T>C on the plus strand (A>G on the coding strand, the complement: AHI1 is on the minus strand). VCF-style: chr6-135466364-T-C. GRCh37 (hg19) VCF-style: chr6-135787502-T-C.
Other names: c.199A>G, p.Ile67Val (NM_001134830.2, NM_001134832.2, NM_001350503.2 and 2 more transcripts); short protein forms I67V.
Identifiers: ClinVar variation 837225 (VCV000837225.13), dbSNP rs369012543, ClinGen allele CA4012876.